The following is an entry in ClinVar:

NM_170707.4(LMNA):c.1824C>T (p.Gly608=)

Gene: LMNA (lamin A/C; plus strand). Cytogenetic location: 1q22.
Variant type: single nucleotide variant.
Coding change: c.1824C>T on transcript NM_170707.4 (MANE Select); coding-DNA position 1824, C replaced by T.
Protein change: p.Gly608=; no amino-acid change (glycine 608 retained).
Molecular consequence: synonymous variant. On other transcripts: intron variant (1).
Genome position (GRCh38, 1-based): chr1:156,138,613, C>T. VCF-style: chr1-156138613-C-T. GRCh37 (hg19) VCF-style: chr1-156108404-C-T.
Other names: G608G; c.1488C>T, p.Gly496= (NM_001257374.3); c.1734C>T, p.Gly578= (NM_170708.4); c.1818+6C>T (NM_001282626.2).
Identifiers: ClinVar variation 14500 (VCV000014500.32), dbSNP rs58596362, ClinGen allele CA015291.
Genomic context (GRCh38, chr1:156,138,613, plus strand): 5'-CGGGACCTGCGGGCAGCCTGCCGACAAGGCATCTGCCAGCGGCTCAGGAGCCCAGGTGGG[C>T]GGACCCATCTCCTCTGGCTCTTCTGCCTCCAGTGTCACGGTCACTCGCAGCTACCGCAGT-3'
Protein context (NP_733821.1, residues 598-618): ASASGSGAQV[Gly608=]GPISSGSSAS

ClinVar aggregate classification (germline): Pathogenic. Review status: criteria provided, multiple submitters, no conflicts (2 of 4 stars). 13 submissions from 12 submitters: Pathogenic (9). 4 of the submissions do not count toward it. Last evaluated 2025-04-30.

Conditions:
LMNA-related disorder. Also called: LMNA-related condition; LMNA-related disease; LMNA-related disorders. Identifiers: MedGen CN380145.
Hutchinson-Gilford syndrome (HGPS). Also called: Hutchinson-Gilford Progeria Syndrome. Identifiers: Orphanet 740, MedGen C0033300, MONDO:0008310, OMIM 176670.
Primary dilated cardiomyopathy (DCM). Also called: Dilated Cardiomyopathy. Identifiers: Orphanet 217604, MedGen C0007193, MeSH D002311, MONDO:0005021, HP:0001644. Inheritance: Various modes of inheritance.
Charcot-Marie-Tooth disease type 2. Also called: Charcot-Marie-Tooth type 2. Identifiers: Orphanet 64746, MedGen C0270914, MONDO:0018993.
Restrictive dermopathy 2 (RSDM2). Also called: RESTRICTIVE DERMOPATHY 2, LETHAL. Identifiers: MedGen C5676942, MONDO:0030781, OMIM 619793.

Submissions (13):

GeneDx
Classification: Pathogenic. Last evaluated: 2025-04-30. Review status: criteria provided, single submitter. Criteria: GeneDx Variant Classification Process June 2021. Collection method: clinical testing. Allele origin: germline. Affected: yes.
Comment: RNA studies demonstrate a damaging effect through a partial impact on splicing resulting in increased expression of truncated lamin A transcript with cell aging (PMID: 19172989); Not observed at significant frequency in large population cohorts (gnomAD); This variant is associated with the following publications: (PMID: 24305605, 21251803, 12768443, 12702809, 22893709, 23969228, 22685055, 19172989, 23141186, 26670336, 15793835, 17459069, 17459035, 15982412, 30911407, 32297714, 36523395, 35801028, 16809772, 28679633, 31006814, 22611635, 17511383, 28878338, 33590899, 38191824, 21738662, 25946677, 32943904, 10939567, 21875900, 22148005, 20580717, 12714972, 25556323)

Labcorp Genetics (formerly Invitae), Labcorp
Classification: Pathogenic for Charcot-Marie-Tooth disease type 2. Last evaluated: 2023-10-08. Review status: criteria provided, single submitter. Criteria: Invitae Variant Classification Sherloc (09022015). Collection method: clinical testing. Allele origin: germline.
Comment: This sequence change affects codon 608 of the LMNA mRNA. It is a 'silent' change, meaning that it does not change the encoded amino acid sequence of the LMNA protein. This variant is not present in population databases (gnomAD no frequency). This variant has been observed in individual(s) with Hutchinson-Gilford progeria syndrome (HGPS) (PMID: 12714972, 12768443, 15793835, 17459035, 19172989, 22148005, 22611635, 22685055, 23141186, 25946677; Invitae). In at least one individual the variant was observed to be de novo. This variant is also known as c.2036C>T. ClinVar contains an entry for this variant (Variation ID: 14500). Algorithms developed to predict the effect of variants on protein structure and function are not available or were not evaluated for this variant. Experimental studies have shown that this variant affects LMNA function (PMID: 12714972, 19172989, 21875900, 22893709, 25567453). Algorithms developed to predict the effect of sequence changes on RNA splicing suggest that this variant is not likely to affect RNA splicing. For these reasons, this variant has been classified as Pathogenic.

3billion
Classification: Pathogenic for Hutchinson-Gilford syndrome. Last evaluated: 2022-09-01. Review status: criteria provided, single submitter. Criteria: ACMG Guidelines, 2015. Collection method: clinical testing. Allele origin: germline. Affected: yes. Observed: 1 heterozygote.
Comment: The variant is not observed in the gnomAD v2.1.1 dataset. Cryptic splice donor variant which results in abnormal splicing. Functional studies provide strong evidence of the variant having a damaging effect on the gene or gene product (PMID: 19172989 , 21875900). The variant has been previously reported as de novo in at least two similarly affected unrelated individuals (PMID: 12714972 , 17459035 , 22611635). The variant has been observed in multiple (>3) similarly affected unrelated individuals (PMID: 12714972 , 17459035 , 22611635). The variant has been reported at least twice as pathogenic with clinical assertions and evidence for the classification (ClinVar ID: VCV000014500 / 3billion dataset). Therefore, this variant is classified as Pathogenic according to the recommendation of ACMG/AMP guideline.

AiLife Diagnostics
Classification: Pathogenic. Last evaluated: 2021-05-26. Review status: criteria provided, single submitter. Criteria: ACMG Guidelines, 2015. Collection method: clinical testing. Allele origin: germline. Affected: yes. Observed: 1 variant allele.

Blueprint Genetics
Classification: Pathogenic for LMNA-related disorders. Last evaluated: 2018-06-04. Review status: criteria provided, single submitter. Criteria: ACMG Guidelines, 2015. Collection method: clinical testing. Allele origin: germline. Affected: yes. Observed: 1 variant allele.

Laboratory for Molecular Medicine, Mass General Brigham Personalized Medicine
Classification: Pathogenic for Primary dilated cardiomyopathy; Hutchinson-Gilford syndrome. Last evaluated: 2018-02-15. Review status: criteria provided, single submitter. Criteria: LMM Criteria. Collection method: clinical testing. Allele origin: germline. Observed: 1 variant allele.
Comment: proposed classification - variant undergoing re-assessment, contact laboratory

Eurofins Ntd Llc (ga)
Classification: Pathogenic. Last evaluated: 2013-07-01. Review status: criteria provided, single submitter. Criteria: EGL Classification Definitions. Collection method: clinical testing. Allele origin: germline. Observed: 2 variant alleles, 2 heterozygotes.

Genetic Services Laboratory, University of Chicago
Classification: Pathogenic for Hutchinson-Gilford syndrome. Last evaluated: 2013-02-08. Review status: criteria provided, single submitter. Criteria: ACMG Guidelines, 2007. Collection method: clinical testing. Allele origin: germline. Affected: yes.

Kasturba Medical College, Manipal, Kasturba Medical College, Manipal, Manipal Academy of Higher Education, Manipal, India
Classification: Pathogenic for Hutchinson-Gilford syndrome. Review status: criteria provided, single submitter. Criteria: ACMG Guidelines, 2015. Collection method: clinical testing. Allele origin: unknown. Inheritance: Autosomal dominant inheritance. Affected: yes. Observed: 1 heterozygote.

OMIM
Classification: Pathogenic for HUTCHINSON-GILFORD PROGERIA SYNDROME. Last evaluated: 2009-07-01. Review status: no assertion criteria provided. Collection method: literature only. Allele origin: unknown. Not counted in ClinVar's aggregate classification.

OMIM
Classification: Pathogenic for RESTRICTIVE DERMOPATHY 2. Last evaluated: 2009-07-01. Review status: no assertion criteria provided. Collection method: literature only. Allele origin: unknown. Not counted in ClinVar's aggregate classification.

Epithelial Biology;  Institute of Medical Biology, Singapore
No classification provided. Review status: no classification provided. Collection method: not provided. Allele origin: not provided. Not counted in ClinVar's aggregate classification.

GeneReviews
No classification provided. Condition: Hutchinson-Gilford syndrome. Review status: no classification provided. Collection method: literature only. Allele origin: de novo. Not counted in ClinVar's aggregate classification.

Literature cited by the submitters: PubMed 12714972 (cited by 6 submitters); PubMed 12768443 (cited by 3 submitters); PubMed 15793835 (cited by 3 submitters); PubMed 17459035 (cited by 3 submitters); PubMed 19172989 (cited by 4 submitters); PubMed 22148005 (cited by Labcorp Genetics (formerly Invitae), Labcorp and AiLife Diagnostics); PubMed 22611635 (cited by 3 submitters); PubMed 22685055 (cited by Labcorp Genetics (formerly Invitae), Labcorp and AiLife Diagnostics); PubMed 23141186 (cited by Labcorp Genetics (formerly Invitae), Labcorp and AiLife Diagnostics); PubMed 25946677 (cited by Labcorp Genetics (formerly Invitae), Labcorp and AiLife Diagnostics); PubMed 21875900 (cited by 3 submitters); PubMed 22893709 (cited by Labcorp Genetics (formerly Invitae), Labcorp and AiLife Diagnostics); PubMed 25567453 (cited by Labcorp Genetics (formerly Invitae), Labcorp); PubMed 12702809 (cited by AiLife Diagnostics and GeneReviews); PubMed 20580717 (cited by AiLife Diagnostics); PubMed 25556323 (cited by AiLife Diagnostics); PubMed 30911407 (cited by AiLife Diagnostics); PubMed 21251803 (cited by AiLife Diagnostics); PubMed 32297714 (cited by AiLife Diagnostics); PubMed 28679633 (cited by AiLife Diagnostics); PubMed 24305605 (cited by AiLife Diagnostics); PubMed 17511383 (cited by AiLife Diagnostics); PubMed 17459069 (cited by AiLife Diagnostics); PubMed 32943904 (cited by AiLife Diagnostics); PubMed 15982412 (cited by AiLife Diagnostics); PubMed 21738662 (cited by AiLife Diagnostics); PubMed 23969228 (cited by AiLife Diagnostics); PubMed 28878338 (cited by AiLife Diagnostics); PubMed 31006814 (cited by AiLife Diagnostics); PubMed 26670336 (cited by AiLife Diagnostics); PubMed 11799477 (cited by OMIM); PubMed 15032975 (cited by OMIM); PubMed 15184648 (cited by OMIM); PubMed 16126733 (cited by OMIM); PubMed 16738054 (cited by OMIM); PubMed 17469202 (cited by OMIM); PubMed 15342704 (cited by OMIM); PubMed 15317753 (cited by OMIM).